The following is an entry in ClinVar:

ClinVar aggregate classification (germline): Uncertain significance (1 of 4 stars; one submission).

Conditions:
Juvenile polyposis syndrome (JPS). Identifiers: Orphanet 2929, MedGen C0345893, MONDO:0017380, OMIM 174900.

Submission:

Labcorp Genetics (formerly Invitae), Labcorp
Classification: Uncertain significance for Juvenile polyposis syndrome. Last evaluated: 2021-10-21. Review status: criteria provided, single submitter. Criteria: Invitae Variant Classification Sherloc (09022015). Collection method: clinical testing. Allele origin: germline.
Comment: In summary, the available evidence is currently insufficient to determine the role of this variant in disease. Therefore, it has been classified as a Variant of Uncertain Significance. Algorithms developed to predict the effect of sequence changes on RNA splicing suggest that this variant may create or strengthen a splice site. Algorithms developed to predict the effect of missense changes on protein structure and function are either unavailable or do not agree on the potential impact of this missense change (SIFT: "Deleterious"; PolyPhen-2: "Possibly Damaging"; Align-GVGD: "Class C0"). This variant has not been reported in the literature in individuals affected with SMAD4-related conditions. This variant is not present in population databases (ExAC no frequency). This sequence change replaces alanine with valine at codon 462 of the SMAD4 protein (p.Ala462Val). The alanine residue is highly conserved and there is a small physicochemical difference between alanine and valine.

NM_005359.6(SMAD4):c.1385C>T (p.Ala462Val)

Gene: SMAD4 (SMAD family member 4; plus strand). Cytogenetic location: 18q21.2.
Variant type: single nucleotide variant.
Coding change: c.1385C>T on transcript NM_005359.6 (MANE Select); coding-DNA position 1385, C replaced by T.
Protein change: p.Ala462Val; replaces alanine 462 with valine.
Molecular consequence: missense variant.
Genome position (GRCh38, 1-based): chr18:51,076,714, C>T. VCF-style: chr18-51076714-C-T. GRCh37 (hg19) VCF-style: chr18-48603084-C-T.
Other names: short protein forms A462V.
Identifiers: ClinVar variation 1387370 (VCV001387370.6), dbSNP rs2144474198, ClinGen allele CA402465271.